The following is an entry in ClinVar:

NM_015667.2(SPATA31A7):c.208C>T (p.Arg70Trp)

Gene: SPATA31A7 (SPATA31 subfamily A member 7; plus strand). Cytogenetic location: 9q12.
Variant type: single nucleotide variant.
Coding change: c.208C>T on transcript NM_015667.2 (MANE Select); coding-DNA position 208, C replaced by T.
Protein change: p.Arg70Trp; replaces arginine 70 with tryptophan.
Molecular consequence: missense variant.
Genome position (GRCh38, 1-based): chr9:61,191,471, C>T. VCF-style: chr9-61191471-C-T. GRCh37 (hg19) VCF-style: chr9-65508175-G-A.
Other names: short protein forms R70W.
Identifiers: ClinVar variation 5030080 (VCV005030080.1).

ClinVar aggregate classification (germline): Uncertain significance (1 of 4 stars; one submission).

Submission:

Ambry Genetics
Classification: Uncertain significance. Last evaluated: 2026-06-29. Review status: criteria provided, single submitter. Criteria: Ambry Variant Classification Scheme 2023. Collection method: clinical testing. Allele origin: germline.
Comment: The c.208C>T (p.R70W) alteration is located in exon 2 (coding exon 2) of the SPATA31A7 gene. This alteration results from a C to T substitution at nucleotide position 208, causing the arginine (R) at amino acid position 70 to be replaced by a tryptophan (W). Based on data from gnomAD, the T allele has an overall frequency of 0.001% (1/166362) total alleles studied. The highest observed frequency was <0.001% (/) of alleles. Based on insufficient or conflicting evidence, the clinical significance of this alteration remains unclear.